The following is an entry in ClinVar:

ClinVar aggregate classification (germline): Uncertain significance. Review status: criteria provided, multiple submitters, no conflicts (2 of 4 stars). 2 submissions from 2 submitters: Uncertain significance (2). Last evaluated 2025-07-28.

Conditions:
Ataxia-telangiectasia syndrome (AT). Also called: Cerebello-oculocutaneous telangiectasia; ATAXIA-TELANGIECTASIA, COMPLEMENTATION GROUP A; ATAXIA-TELANGIECTASIA, FRESNO VARIANT; Ataxia-telangiectasia, complementation group D; AT, COMPLEMENTATION GROUP C; Immunodeficiency with ataxia telangiectasia. Identifiers: Orphanet 100, MedGen C0004135, MONDO:0008840, OMIM 208900.

Allele frequency attached by ClinVar (database versions not stated): gnomAD exomes below 0.00001.
gnomAD v4.1: 1 of 1,613,928 alleles (0.000062%); highest among the groups gnomAD compares: Non-Finnish European, 0.000085%; no homozygotes.

Submissions (2):

GeneDx
Classification: Uncertain significance. Last evaluated: 2025-07-28. Review status: criteria provided, single submitter. Criteria: GeneDx Variant Classification Process June 2021. Collection method: clinical testing. Allele origin: germline. Affected: yes.
Comment: Not observed at significant frequency in large population cohorts (gnomAD); In silico analysis supports that this missense variant has a deleterious effect on protein structure/function; Has not been previously published as pathogenic or benign to our knowledge

Labcorp Genetics (formerly Invitae), Labcorp
Classification: Uncertain significance for Ataxia-telangiectasia syndrome. Last evaluated: 2022-12-03. Review status: criteria provided, single submitter. Criteria: Invitae Variant Classification Sherloc (09022015). Collection method: clinical testing. Allele origin: germline.
Comment: In summary, the available evidence is currently insufficient to determine the role of this variant in disease. Therefore, it has been classified as a Variant of Uncertain Significance. Algorithms developed to predict the effect of missense changes on protein structure and function (SIFT, PolyPhen-2, Align-GVGD) all suggest that this variant is likely to be disruptive. ClinVar contains an entry for this variant (Variation ID: 1716258). This variant has not been reported in the literature in individuals affected with ATM-related conditions. This variant is not present in population databases (gnomAD no frequency). This sequence change replaces leucine, which is neutral and non-polar, with proline, which is neutral and non-polar, at codon 1611 of the ATM protein (p.Leu1611Pro).

NM_000051.4(ATM):c.4832T>C (p.Leu1611Pro)

Gene: ATM (ATM serine/threonine kinase; plus strand). Cytogenetic location: 11q22.3.
Variant type: single nucleotide variant.
Coding change: c.4832T>C on transcript NM_000051.4 (MANE Select); coding-DNA position 4832, T replaced by C.
Protein change: p.Leu1611Pro; replaces leucine 1611 with proline.
Molecular consequence: missense variant.
Genome position (GRCh38, 1-based): chr11:108,294,982, T>C. VCF-style: chr11-108294982-T-C. GRCh37 (hg19) VCF-style: chr11-108165709-T-C.
Other names: c.4832T>C, p.Leu1611Pro (NM_001351834.2); short protein forms L1611P.
Identifiers: ClinVar variation 1716258 (VCV001716258.6), dbSNP rs2135835384, ClinGen allele CA382536789.
Genomic context (GRCh38, chr11:108,294,982, plus strand): 5'-TTTAGGAAATTAACCATTTTCTCTCAGTAAGTGTTTATGATGCACTTCCATTGACAAGAC[T>C]TGAAGGACTAAAGGATCTTCGAAGACAACTGGAACTACATAAAGATCAGATGGTGGACAT-3'
Protein context (NP_000042.3, residues 1601-1621): SVYDALPLTR[Leu1611Pro]EGLKDLRRQL